The following is an entry in ClinVar:

ClinVar aggregate classification (germline): Likely benign. Review status: criteria provided, multiple submitters, no conflicts (2 of 4 stars). 4 submissions from 4 submitters: Likely benign (3). 1 of the submissions does not count toward it. Last evaluated 2026-01-17.

Conditions:
WHRN-related disorder. Also called: WHRN-related condition.

Allele frequency attached by ClinVar (database versions not stated): gnomAD exomes 0.00005 and 0.00009; TOPMed 0.00006; ExAC 0.00011; gnomAD 0.00013; ESP Exome Variant Server 0.00015.
gnomAD v4.1: 95 of 1,614,018 alleles (0.0059%); highest among the groups gnomAD compares: East Asian, 0.04%; no homozygotes.

Submissions (4):

Labcorp Genetics (formerly Invitae), Labcorp
Classification: Likely benign. Last evaluated: 2026-01-17. Review status: criteria provided, single submitter. Criteria: Invitae Variant Classification Sherloc (09022015). Collection method: clinical testing. Allele origin: germline.

CeGaT Center for Human Genetics Tuebingen
Classification: Likely benign. Last evaluated: 2023-10-01. Review status: criteria provided, single submitter. Criteria: CeGaT Center For Human Genetics Tuebingen Variant Classification Criteria Version 2. Collection method: clinical testing. Allele origin: germline. Affected: yes. Observed: 1 variant allele.
Comment: WHRN: BP4, BP7

Blueprint Genetics
Classification: Likely benign. Last evaluated: 2021-08-17. Review status: criteria provided, single submitter. Criteria: ACMG Guidelines, 2015. Collection method: clinical testing. Allele origin: germline.

PreventionGenetics, part of Exact Sciences
Classification: Likely benign for WHRN-related condition. Last evaluated: 2019-10-31. Review status: no assertion criteria provided. Collection method: clinical testing. Allele origin: germline. Not counted in ClinVar's aggregate classification.
Comment: This variant is classified as likely benign based on ACMG/AMP sequence variant interpretation guidelines (Richards et al. 2015 PMID: 25741868, with internal and published modifications).

NM_015404.4(WHRN):c.1893G>A (p.Ala631=)

Gene: WHRN (whirlin; minus strand). Cytogenetic location: 9q32.
Variant type: single nucleotide variant.
Coding change: c.1893G>A on transcript NM_015404.4 (MANE Select); coding-DNA position 1893, G replaced by A.
Protein change: p.Ala631=; no amino-acid change (alanine 631 retained).
Molecular consequence: synonymous variant.
Genome position (GRCh38, 1-based): chr9:114,406,698, C>T on the plus strand (G>A on the coding strand, the complement: WHRN is on the minus strand). VCF-style: chr9-114406698-C-T. GRCh37 (hg19) VCF-style: chr9-117168978-C-T.
Other names: c.1893G>A (NM_015404.3); c.744G>A, p.Ala248= (NM_001083885.3); c.1893G>A, p.Ala631= (NM_001173425.2); c.840G>A, p.Ala280= (NM_001346890.1).
Identifiers: ClinVar variation 1107679 (VCV001107679.33), dbSNP rs147952299, ClinGen allele CA5205786.